The following is an entry in ClinVar:

NM_004260.4(RECQL4):c.3588G>A (p.Val1196=)

Gene: RECQL4 (RecQ like helicase 4; minus strand). Cytogenetic location: 8q24.3.
Variant type: single nucleotide variant.
Coding change: c.3588G>A on transcript NM_004260.4 (MANE Select); coding-DNA position 3588, G replaced by A.
Protein change: p.Val1196=; no amino-acid change (valine 1196 retained).
Molecular consequence: synonymous variant. On other transcripts: non-coding transcript variant (3).
Genome position (GRCh38, 1-based): chr8:144,511,470, C>T on the plus strand (G>A on the coding strand, the complement: RECQL4 is on the minus strand). VCF-style: chr8-144511470-C-T. GRCh37 (hg19) VCF-style: chr8-145736853-C-T.
Other names: c.3294G>A, p.Val1098= (NM_001413017.1); c.3390G>A, p.Val1130= (NM_001413018.1); c.3663G>A, p.Val1221= (NM_001413019.1); c.3492G>A, p.Val1164= (NM_001413020.1); c.2517G>A, p.Val839= (NM_001413021.1, NM_001413022.1, NM_001413024.1 and 4 more transcripts); c.2592G>A, p.Val864= (NM_001413023.1); c.3459G>A, p.Val1153= (NM_001413025.1); c.2451G>A, p.Val817= (NM_001413027.1, NM_001413030.1, NM_001413032.1); and 9 more.
Identifiers: ClinVar variation 3636221 (VCV003636221.1).

ClinVar aggregate classification (germline): Uncertain significance (1 of 4 stars; one submission).

Conditions:
Baller-Gerold syndrome (BGS). Also called: CRANIOSYNOSTOSIS WITH RADIAL DEFECTS. Identifiers: Orphanet 1225, MedGen C0265308, MONDO:0009039, OMIM 218600.

gnomAD v4.1: 1 of 1,612,576 alleles (0.000062%); highest among the groups gnomAD compares: South Asian, 0.0011%; no homozygotes.

Submission:

Labcorp Genetics (formerly Invitae), Labcorp
Classification: Uncertain significance for Baller-Gerold syndrome. Last evaluated: 2024-02-07. Review status: criteria provided, single submitter. Criteria: Invitae Variant Classification Sherloc (09022015). Collection method: clinical testing. Allele origin: germline.
Comment: This sequence change affects codon 1196 of the RECQL4 mRNA. It is a 'silent' change, meaning that it does not change the encoded amino acid sequence of the RECQL4 protein. This variant is not present in population databases (gnomAD no frequency). This variant has not been reported in the literature in individuals affected with RECQL4-related conditions. Algorithms developed to predict the effect of sequence changes on RNA splicing suggest that this variant may create or strengthen a splice site. In summary, the available evidence is currently insufficient to determine the role of this variant in disease. Therefore, it has been classified as a Variant of Uncertain Significance.